The following is an entry in ClinVar:

NM_001903.5(CTNNA1):c.2665A>G (p.Lys889Glu)

Gene: CTNNA1 (catenin alpha 1; plus strand). Cytogenetic location: 5q31.2.
Variant type: single nucleotide variant.
Coding change: c.2665A>G on transcript NM_001903.5 (MANE Select); coding-DNA position 2665, A replaced by G.
Protein change: p.Lys889Glu; replaces lysine 889 with glutamic acid.
Molecular consequence: missense variant. On other transcripts: 3 prime UTR variant (5).
Genome position (GRCh38, 1-based): chr5:138,934,033, A>G. VCF-style: chr5-138934033-A-G. GRCh37 (hg19) VCF-style: chr5-138269722-A-G.
Other names: c.*210A>G (NM_001290307.3, NM_001324002.1, NM_001324003.1 and 2 more transcripts); c.2356A>G, p.Lys786Glu (NM_001290309.3); c.2296A>G, p.Lys766Glu (NM_001290310.3); c.1555A>G, p.Lys519Glu (NM_001290312.1, NM_001323996.1, NM_001323997.1 and 12 more transcripts); c.2665A>G, p.Lys889Glu (NM_001323982.2, NM_001323983.1, NM_001323984.2); c.2638A>G, p.Lys880Glu (NM_001323985.2); c.2572A>G, p.Lys858Glu (NM_001323986.2); c.1420A>G, p.Lys474Glu (NM_001324001.1); and 3 more; short protein forms K406E, K438E, K474E, K488E, K519E, K766E, K786E, K858E.
Identifiers: ClinVar variation 1700655 (VCV001700655.4), dbSNP rs1766015674, ClinGen allele CA361135724.

ClinVar aggregate classification (germline): Uncertain significance. Review status: criteria provided, single submitter (1 of 4 stars). 2 submissions from 2 submitters: Uncertain significance (1). 1 of the submissions does not count toward it. Last evaluated 2024-05-01.

Conditions:
Polyposis syndrome, hereditary mixed, 1 (HMPS1). Also called: COLORECTAL ADENOMA AND CARCINOMA 1; CHROMOSOME 15q13-q14 DUPLICATION SYNDROME, 40-KB. Identifiers: Orphanet 157794, MedGen C1832587, MONDO:0042486, OMIM 601228.

Submissions (2):

Labcorp Genetics (formerly Invitae), Labcorp
Classification: Uncertain significance. Last evaluated: 2024-05-01. Review status: criteria provided, single submitter. Criteria: Invitae Variant Classification Sherloc (09022015). Collection method: clinical testing. Allele origin: germline.
Comment: This sequence change replaces lysine, which is basic and polar, with glutamic acid, which is acidic and polar, at codon 889 of the CTNNA1 protein (p.Lys889Glu). This variant is not present in population databases (gnomAD no frequency). This variant has not been reported in the literature in individuals affected with CTNNA1-related conditions. ClinVar contains an entry for this variant (Variation ID: 1700655). Advanced modeling of protein sequence and biophysical properties (such as structural, functional, and spatial information, amino acid conservation, physicochemical variation, residue mobility, and thermodynamic stability) has been performed at Invitae for this missense variant, however the output from this modeling did not meet the statistical confidence thresholds required to predict the impact of this variant on CTNNA1 protein function. In summary, the available evidence is currently insufficient to determine the role of this variant in disease. Therefore, it has been classified as a Variant of Uncertain Significance.

Genomic Center, National Cancer Institute
Classification: Uncertain significance for Polyposis syndrome, hereditary mixed, 1. Review status: no assertion criteria provided. Collection method: case-control. Allele origin: germline. Affected: yes. Not counted in ClinVar's aggregate classification.